The following is an entry in ClinVar:

ClinVar aggregate classification (germline): Pathogenic. Review status: criteria provided, multiple submitters, no conflicts (2 of 4 stars). 7 submissions from 7 submitters: Pathogenic (5). 2 of the submissions do not count toward it. Last evaluated 2025-04-27.

Conditions:
Neurofibromatosis, type 1 (NF1). Also called: VON RECKLINGHAUSEN DISEASE; NEUROFIBROMATOSIS, TYPE I, SOMATIC; Peripheral type neurofibromatosis; Neurofibromatosis, type I. Identifiers: Orphanet 636, MedGen C0027831, MONDO:0018975, OMIM 162200. Disease mechanism: loss of function.

Submissions (7):

Labcorp Genetics (formerly Invitae), Labcorp
Classification: Pathogenic for Neurofibromatosis, type 1. Last evaluated: 2025-04-27. Review status: criteria provided, single submitter. Criteria: Invitae Variant Classification Sherloc (09022015). Collection method: clinical testing. Allele origin: germline.
Comment: This sequence change replaces arginine, which is basic and polar, with glycine, which is neutral and non-polar, at codon 1391 of the NF1 protein (p.Arg1391Gly). This variant is not present in population databases (gnomAD no frequency). This missense change has been observed in individuals with neurofibromatosis type 1 (PMID: 22807134; internal data). Invitae Evidence Modeling of clinical and family history, age, sex, and reported ancestry of multiple individuals with this NF1 variant has been performed. This variant is expected to be pathogenic with a positive predictive value of at least 99%. This is a validated machine learning model that incorporates the clinical features of 1,785,918 individuals referred to our laboratory for NF1 testing. ClinVar contains an entry for this variant (Variation ID: 457686). Invitae Evidence Modeling of protein sequence and biophysical properties (such as structural, functional, and spatial information, amino acid conservation, physicochemical variation, residue mobility, and thermodynamic stability) indicates that this missense variant is expected to disrupt NF1 protein function with a positive predictive value of 95%. Experimental studies have shown that this missense change affects NF1 function (PMID: 22807134). This variant disrupts the p.Arg1391 amino acid residue in NF1. Other variant(s) that disrupt this residue have been determined to be pathogenic (PMID: 9003501, 22807134). This suggests that this residue is clinically significant, and that variants that disrupt this residue are likely to be disease-causing. For these reasons, this variant has been classified as Pathogenic.

Women's Health and Genetics/Laboratory Corporation of America, LabCorp
Classification: Pathogenic for Neurofibromatosis, type 1. Last evaluated: 2024-06-21. Review status: criteria provided, single submitter. Criteria: LabCorp Variant Classification Summary - May 2015. Collection method: clinical testing. Allele origin: germline.
Comment: Variant summary: NF1 c.4171A>G (p.Arg1391Gly) results in a non-conservative amino acid change located in the ras GTPase-activating domain (IPR001936) of the encoded protein sequence. Five of five in-silico tools predict a damaging effect of the variant on protein function. The variant was absent in 251264 control chromosomes. c.4171A>G has been reported in the literature in individuals affected with Neurofibromatosis Type 1 and rasopathy-like phenotype (e.g. Palma_2018, Castellani_2020, Flores_2022, Thomas_2012). These data indicate that the variant is likely associated with disease. At least one publication reports experimental evidence that this variant is pathogenic by enzyme-linked immunosorbent assay (ELISA) confirmed by western blot (e.g. Thomas_2012). Another missense variant affecting this amino acid (p.Arg1391Ser CV ID 639692) has been determined to be pathogenic, supporting the critical relevance of codon 1391 to NF1 protein function. This variant is also known as R1424G. The following publications have been ascertained in the context of this evaluation (PMID: 31573083, 35119474, 30014477, 22807134). ClinVar contains an entry for this variant (Variation ID: 457686). Based on the evidence outlined above, the variant was classified as pathogenic.

GeneDx
Classification: Pathogenic. Last evaluated: 2022-08-26. Review status: criteria provided, single submitter. Criteria: GeneDx Variant Classification Process June 2021. Collection method: clinical testing. Allele origin: germline. Affected: yes.
Comment: Published functional studies demonstrate a damaging effect: significantly reduced GTPase-activating protein-related domain (GRD) activity (Thomas et al., 2012); Not observed at significant frequency in large population cohorts (gnomAD); In silico analysis supports that this missense variant has a deleterious effect on protein structure/function; This variant is associated with the following publications: (PMID: 9003501, 30014477, 25486365, 22807134)

Genome-Nilou Lab
Classification: Pathogenic for Neurofibromatosis, type 1. Last evaluated: 2022-03-15. Review status: criteria provided, single submitter. Criteria: ACMG Guidelines, 2015. Collection method: clinical testing. Allele origin: germline. Affected: no.

Mendelics
Classification: Pathogenic for Neurofibromatosis, type 1. Last evaluated: 2019-05-28. Review status: criteria provided, single submitter. Criteria: Mendelics Assertion Criteria 2017. Collection method: clinical testing. Allele origin: unknown.

Clinical Genetics DNA and cytogenetics Diagnostics Lab, Erasmus MC, Erasmus Medical Center
Classification: Pathogenic. Review status: no assertion criteria provided. Collection method: clinical testing. Allele origin: germline. Affected: yes. Study: VKGL Data-share Consensus. Not counted in ClinVar's aggregate classification.

Laboratory of Diagnostic Genome Analysis, Leiden University Medical Center (LUMC)
Classification: Pathogenic. Review status: no assertion criteria provided. Collection method: clinical testing. Allele origin: germline. Affected: yes. Study: VKGL Data-share Consensus. Not counted in ClinVar's aggregate classification.

Literature cited by the submitters: PubMed 22807134 (cited by Labcorp Genetics (formerly Invitae), Labcorp and Women's Health and Genetics/Laboratory Corporation of America, LabCorp); PubMed 9003501 (cited by Labcorp Genetics (formerly Invitae), Labcorp); PubMed 31573083 (cited by Women's Health and Genetics/Laboratory Corporation of America, LabCorp); PubMed 35119474 (cited by Women's Health and Genetics/Laboratory Corporation of America, LabCorp); PubMed 30014477 (cited by Women's Health and Genetics/Laboratory Corporation of America, LabCorp).

NM_001042492.3(NF1):c.4234A>G (p.Arg1412Gly)

Gene: NF1 (neurofibromin 1; plus strand). Cytogenetic location: 17q11.2.
Variant type: single nucleotide variant.
Coding change: c.4234A>G on transcript NM_001042492.3 (MANE Select); coding-DNA position 4234, A replaced by G.
Protein change: p.Arg1412Gly; replaces arginine 1412 with glycine.
Molecular consequence: missense variant.
Genome position (GRCh38, 1-based): chr17:31,258,404, A>G. VCF-style: chr17-31258404-A-G. GRCh37 (hg19) VCF-style: chr17-29585422-A-G.
Other names: c.4171A>G, p.Arg1391Gly (NM_000267.4); short protein forms R1391G, R1412G.
Identifiers: ClinVar variation 457686 (VCV000457686.14), dbSNP rs1555618515, ClinGen allele CA398997834.